The following is an entry in ClinVar:

NM_021971.4(GMPPB):c.953T>C (p.Val318Ala)

Gene: GMPPB (GDP-mannose pyrophosphorylase B; minus strand). Cytogenetic location: 3p21.31.
Variant type: single nucleotide variant.
Coding change: c.953T>C on transcript NM_021971.4 (MANE Select); coding-DNA position 953, T replaced by C.
Protein change: p.Val318Ala; replaces valine 318 with alanine.
Molecular consequence: missense variant.
Genome position (GRCh38, 1-based): chr3:49,721,882, A>G on the plus strand (T>C on the coding strand, the complement: GMPPB is on the minus strand). VCF-style: chr3-49721882-A-G. GRCh37 (hg19) VCF-style: chr3-49759315-A-G.
Other names: c.1034T>C (NM_013334.3); c.1034T>C, p.Val345Ala (NM_013334.4); short protein forms V318A, V345A.
Identifiers: ClinVar variation 570522 (VCV000570522.12), dbSNP rs559784211, ClinGen allele CA2405379.

ClinVar aggregate classification (germline): Conflicting classifications of pathogenicity. Review status: criteria provided, conflicting classifications (1 of 4 stars). 5 submissions from 5 submitters: Pathogenic (1); Uncertain significance (4). Last evaluated 2026-01-05.

Conditions:
Muscular dystrophy-dystroglycanopathy (congenital with brain and eye anomalies), type A14. Also called: Congenital Muscular Dystrophy-Dystroglycanopathy with Brain and Eye Anomalies Type A 14; Congenital muscular dystrophy-dystroglycanopathy with brain and eye anomalies, type A14; Muscular dystrophy-dystroglycanopathy (congenital with brain and eye anomalies), type a, 14; WALKER-WARBURG SYNDROME OR MUSCLE-EYE-BRAIN DISEASE, GMPPB-RELATED. Identifiers: Orphanet 588, MedGen C3809216, MONDO:0014140, OMIM 615350.
Muscular dystrophy-dystroglycanopathy (congenital with impaired intellectual development), type B, 14. Also called: Congenital muscular dystrophy-dystroglycanopathy with mental retardation, type B14; MUSCULAR DYSTROPHY, CONGENITAL, GMPPB-RELATED; Muscular dystrophy-dystroglycanopathy (congenital with intellectual disability), type B14. Identifiers: MedGen C3809221, MONDO:0014141, OMIM 615351.
Autosomal recessive limb-girdle muscular dystrophy type 2T. Also called: Limb-girdle muscular dystrophy-dystroglycanopathy, type C14; Muscular dystrophy-dystroglycanopathy (limb-girdle), type c, 14; MUSCULAR DYSTROPHY-DYSTROGLYCANOPATHY, LIMB-GIRDLE, GMPPB-RELATED; MUSCULAR DYSTROPHY, LIMB-GIRDLE, TYPE 2T. Identifiers: Orphanet 363623, MedGen C4518000, MONDO:0014142, OMIM 615352.

Allele frequency attached by ClinVar (database versions not stated): ExAC 0.00002; gnomAD 0.00004 and 0.00005; 1000 Genomes Project 30x 0.00016; gnomAD exomes 0.00002; TOPMed 0.00015; 1000 Genomes Project 0.00020.
gnomAD v4.1: 23 of 1,613,830 alleles (0.0014%); highest among the groups gnomAD compares: Admixed American, 0.025%; no homozygotes.

Submissions (5):

Labcorp Genetics (formerly Invitae), Labcorp
Classification: Pathogenic for Autosomal recessive limb-girdle muscular dystrophy type 2T; Muscular dystrophy-dystroglycanopathy (congenital with brain and eye anomalies), type A14; Muscular dystrophy-dystroglycanopathy (congenital with impaired intellectual development), type B, 14. Last evaluated: 2026-01-05. Review status: criteria provided, single submitter. Criteria: Invitae Variant Classification Sherloc (09022015). Collection method: clinical testing. Allele origin: germline.
Comment: This sequence change replaces valine, which is neutral and non-polar, with alanine, which is neutral and non-polar, at codon 318 of the GMPPB protein (p.Val318Ala). This variant is present in population databases (rs559784211, gnomAD 0.009%). This missense change has been observed in individual(s) with clinical features of GMPPB-related conditions (PMID: 26310427; internal data). In at least one individual the data is consistent with being in trans (on the opposite chromosome) from a pathogenic variant. This variant is also known as c.1034T>C (p.Val345Ala). ClinVar contains an entry for this variant (Variation ID: 570522). An algorithm developed to predict the effect of missense changes on protein structure and function (PolyPhen-2) suggests that this variant is likely to be tolerated. Experimental studies have shown that this missense change affects GMPPB function (PMID: 31211170). For these reasons, this variant has been classified as Pathogenic.

Dasa
Classification: Uncertain significance. Last evaluated: 2025-11-13. Review status: criteria provided, single submitter. Criteria: DASA Assertion Criteria. Collection method: clinical testing. Allele origin: germline.
Comment: NM_021971.4(GMPPB):c.953T>C (p.Val318Ala) is a missense variant that results in the substitution of valine with alanine. This variant has been reported in individuals with GMPPB-related disorders (PMID: 26310427). Also, this variant is rare in population databases. The currently available literature and clinical evidence are not sufficient to establish a definitive association between this variant and the reported condition. Therefore, this variant is classified as a variant of uncertain significance.

GeneDx
Classification: Uncertain significance. Last evaluated: 2023-02-21. Review status: criteria provided, single submitter. Criteria: GeneDx Variant Classification Process June 2021. Collection method: clinical testing. Allele origin: germline. Affected: yes.
Comment: Not observed at significant frequency in large population cohorts (gnomAD); In silico analysis supports that this missense variant does not alter protein structure/function; This variant is associated with the following publications: (PMID: 28456886, 26310427, 31211170, Chompoopong2023[review])

Laboratorio de Genetica e Diagnostico Molecular, Hospital Israelita Albert Einstein
Classification: Uncertain significance for Muscular dystrophy-dystroglycanopathy (congenital with brain and eye anomalies), type A14. Last evaluated: 2023-01-27. Review status: criteria provided, single submitter. Criteria: ACMG Guidelines, 2015. Collection method: clinical testing. Allele origin: germline. Affected: yes. Observed: 1 variant allele.
Comment: ACMG classification criteria: PM2 supporting, BP4 supporting

Revvity Omics, Revvity
Classification: Uncertain significance. Last evaluated: 2022-02-18. Review status: criteria provided, single submitter. Criteria: ACMG Guidelines, 2015. Collection method: clinical testing. Allele origin: germline.

Literature cited by the submitters: PubMed 26310427 (cited by Labcorp Genetics (formerly Invitae), Labcorp and Dasa); PubMed 31211170 (cited by Labcorp Genetics (formerly Invitae), Labcorp).